The following is an entry in ClinVar:

ClinVar aggregate classification (germline): Uncertain significance (1 of 4 stars; one submission).

Submission:

Ambry Genetics
Classification: Uncertain significance. Last evaluated: 2025-10-14. Review status: criteria provided, single submitter. Criteria: Ambry Variant Classification Scheme 2023. Collection method: clinical testing. Allele origin: germline.
Comment: The p.V218L variant (also known as c.652G>T), located in coding exon 5 of the RECQL gene, results from a G to T substitution at nucleotide position 652. The valine at codon 218 is replaced by leucine, an amino acid with highly similar properties. This amino acid position is conserved. In addition, this alteration is predicted to be tolerated by in silico analysis. Based on the available evidence, the clinical significance of this variant remains unclear.

NM_002907.4(RECQL):c.652G>T (p.Val218Leu)

Gene: RECQL (RecQ like helicase; minus strand). Cytogenetic location: 12p12.1.
Variant type: single nucleotide variant.
Coding change: c.652G>T on transcript NM_002907.4 (MANE Select); coding-DNA position 652, G replaced by T.
Protein change: p.Val218Leu; replaces valine 218 with leucine.
Molecular consequence: missense variant.
Genome position (GRCh38, 1-based): chr12:21,483,424, C>A on the plus strand (G>T on the coding strand, the complement: RECQL is on the minus strand). VCF-style: chr12-21483424-C-A. GRCh37 (hg19) VCF-style: chr12-21636358-C-A.
Other names: c.652G>T, p.Val218Leu (NM_032941.3); short protein forms V218L.
Identifiers: ClinVar variation 4576943 (VCV004576943.1).